The following is an entry in ClinVar:

ClinVar aggregate classification (germline): Uncertain significance. Review status: criteria provided, multiple submitters, no conflicts (2 of 4 stars). 3 submissions from 3 submitters: Uncertain significance (3). Last evaluated 2025-12-15.

Conditions:
Wilms tumor 1 (WT1). Also called: Wilms tumor, somatic. Identifiers: Orphanet 654, MedGen CN033288, MONDO:0008679, OMIM 194070.
Simpson-Golabi-Behmel syndrome type 1 (SGBS1). Also called: GPC3-Related Simpson-Golabi-Behmel Syndrome Type 1; SIMPSON DYSMORPHIA SYNDROME; BULLDOG SYNDROME; DYSPLASIA GIGANTISM SYNDROME, X-LINKED; GOLABI-ROSEN SYNDROME. Identifiers: Orphanet 373, MedGen C0796154, MONDO:0020602, OMIM 312870.

Allele frequency attached by ClinVar (database versions not stated): TOPMed below 0.00001.

Submissions (3):

Women's Health and Genetics/Laboratory Corporation of America, LabCorp
Classification: Uncertain significance. Last evaluated: 2025-12-15. Review status: criteria provided, single submitter. Criteria: LabCorp Variant Classification Summary - May 2015. Collection method: clinical testing. Allele origin: germline.
Comment: Variant summary: GPC3 c.140C>T (p.Pro47Leu) results in a non-conservative amino acid change in the encoded protein sequence. Algorithms developed to predict the effect of missense changes on protein structure and function are either unavailable or do not agree on the potential impact of this missense change. The variant was absent in 178485 control chromosomes. The available data on variant occurrences in the general population are insufficient to allow any conclusion about variant significance. To our knowledge, no occurrence of c.140C>T in individuals affected with GPC3-related conditions and no experimental evidence demonstrating its impact on protein function have been reported. ClinVar contains an entry for this variant (Variation ID: 860300). Based on the evidence outlined above, the variant was classified as uncertain significance.

Labcorp Genetics (formerly Invitae), Labcorp
Classification: Uncertain significance for Wilms tumor 1. Last evaluated: 2025-08-18. Review status: criteria provided, single submitter. Criteria: Invitae Variant Classification Sherloc (09022015). Collection method: clinical testing. Allele origin: germline.
Comment: This sequence change replaces proline, which is neutral and non-polar, with leucine, which is neutral and non-polar, at codon 47 of the GPC3 protein (p.Pro47Leu). This variant is not present in population databases (gnomAD no frequency). This variant has not been reported in the literature in individuals affected with GPC3-related conditions. ClinVar contains an entry for this variant (Variation ID: 860300). Invitae Evidence Modeling of protein sequence and biophysical properties (such as structural, functional, and spatial information, amino acid conservation, physicochemical variation, residue mobility, and thermodynamic stability) indicates that this missense variant is not expected to disrupt GPC3 protein function with a negative predictive value of 80%. In summary, the available evidence is currently insufficient to determine the role of this variant in disease. Therefore, it has been classified as a Variant of Uncertain Significance.

Fulgent Genetics
Classification: Uncertain significance for Wilms tumor 1; Simpson-Golabi-Behmel syndrome type 1. Last evaluated: 2022-04-23. Review status: criteria provided, single submitter. Criteria: ACMG Guidelines, 2015. Collection method: clinical testing. Allele origin: unknown.

NM_004484.4(GPC3):c.140C>T (p.Pro47Leu)

Gene: GPC3 (glypican 3; minus strand). Cytogenetic location: Xq26.2.
Variant type: single nucleotide variant.
Coding change: c.140C>T on transcript NM_004484.4 (MANE Select); coding-DNA position 140, C replaced by T.
Protein change: p.Pro47Leu; replaces proline 47 with leucine.
Molecular consequence: missense variant.
Genome position (GRCh38, 1-based): chrX:133,985,310, G>A on the plus strand (C>T on the coding strand, the complement: GPC3 is on the minus strand). VCF-style: chrX-133985310-G-A. GRCh37 (hg19) VCF-style: chrX-133119337-G-A.
Other names: c.140C>T, p.Pro47Leu (NM_001164617.2, NM_001164618.2, NM_001164619.2); short protein forms P47L.
Identifiers: ClinVar variation 860300 (VCV000860300.10), dbSNP rs2076562505, ClinGen allele CA414706947.
Genomic context (GRCh38, chrX:133,985,310, plus strand): 5'-GCACGCTCAAGGGACCCCTCCTCACCTGGCACGGGAGTTTCTGGCACCCACTTGAGTCCG[G>A]GCTGCAGTCTCTGGAAGAAGGAGCGGACTTGGTGACAGGTGGCGTCCGGCGGCGGCGGCG-3'
Protein context (NP_004475.1, residues 37-57): QVRSFFQRLQ[Pro47Leu]GLKWVPETPV